The following is an entry in ClinVar:

NM_025145.7(CFAP43):c.3831T>G (p.Tyr1277Ter)

Gene: CFAP43 (cilia and flagella associated protein 43; minus strand). Cytogenetic location: 10q25.1.
Variant type: single nucleotide variant.
Coding change: c.3831T>G on transcript NM_025145.7 (MANE Select); coding-DNA position 3831, T replaced by G.
Protein change: p.Tyr1277Ter; replaces tyrosine 1277 with a stop codon.
Molecular consequence: nonsense.
Genome position (GRCh38, 1-based): chr10:104,146,287, A>C on the plus strand (T>G on the coding strand, the complement: CFAP43 is on the minus strand). VCF-style: chr10-104146287-A-C. GRCh37 (hg19) VCF-style: chr10-105906045-A-C.
Other names: short protein forms Y1277*.
Identifiers: ClinVar variation 2498469 (VCV002498469.28), dbSNP rs138423878, ClinGen allele CA5680170.

ClinVar aggregate classification (germline): Pathogenic (1 of 4 stars; one submission).

Allele frequency attached by ClinVar (database versions not stated): ESP Exome Variant Server 0.00008.
gnomAD v4.1: 51 of 1,613,686 alleles (0.0032%); highest among the groups gnomAD compares: Non-Finnish European, 0.0041%; no homozygotes.

Submission:

CeGaT Center for Human Genetics Tuebingen
Classification: Pathogenic. Last evaluated: 2023-02-01. Review status: criteria provided, single submitter. Criteria: CeGaT Center For Human Genetics Tuebingen Variant Classification Criteria Version 2. Collection method: clinical testing. Allele origin: germline. Affected: yes. Observed: 1 variant allele.
Comment: CFAP43: PVS1, PM2